The following is an entry in ClinVar:

NM_000179.3(MSH6):c.1471A>G (p.Met491Val)

Gene: MSH6 (mutS homolog 6; plus strand). Cytogenetic location: 2p16.3.
Variant type: single nucleotide variant.
Coding change: c.1471A>G on transcript NM_000179.3 (MANE Select); coding-DNA position 1471, A replaced by G.
Protein change: p.Met491Val; replaces methionine 491 with valine.
Molecular consequence: missense variant.
Genome position (GRCh38, 1-based): chr2:47,799,454, A>G. VCF-style: chr2-47799454-A-G. GRCh37 (hg19) VCF-style: chr2-48026593-A-G.
Other names: c.1081A>G, p.Met361Val (NM_001281492.2); c.565A>G, p.Met189Val (NM_001281493.2, NM_001281494.2); short protein forms M361V, M189V, M491V.
Identifiers: ClinVar variation 838368 (VCV000838368.13), dbSNP rs1669335240, ClinGen allele CA346745912.

ClinVar aggregate classification (germline): Uncertain significance. Review status: criteria provided, multiple submitters, no conflicts (2 of 4 stars). 2 submissions from 2 submitters: Uncertain significance (2). Last evaluated 2024-05-20.

Conditions:
Hereditary nonpolyposis colorectal neoplasms. Identifiers: MedGen C0009405, MeSH D003123.
Hereditary cancer-predisposing syndrome. Also called: Neoplastic Syndromes, Hereditary; Tumor predisposition; Hereditary neoplastic syndrome; Hereditary Cancer Syndrome. Identifiers: Orphanet 140162, MedGen C0027672, MeSH D009386, MONDO:0015356.

Submissions (2):

Ambry Genetics
Classification: Uncertain significance for Hereditary cancer-predisposing syndrome. Last evaluated: 2024-05-20. Review status: criteria provided, single submitter. Criteria: Ambry Variant Classification Scheme 2023. Collection method: clinical testing. Allele origin: germline.
Comment: The p.M491V variant (also known as c.1471A>G), located in coding exon 4 of the MSH6 gene, results from an A to G substitution at nucleotide position 1471. The methionine at codon 491 is replaced by valine, an amino acid with highly similar properties. This amino acid position is highly conserved in available vertebrate species. In addition, this alteration is predicted to be deleterious by in silico analysis. Based on the available evidence, the clinical significance of this variant remains unclear.

Labcorp Genetics (formerly Invitae), Labcorp
Classification: Uncertain significance for Hereditary nonpolyposis colorectal neoplasms. Last evaluated: 2019-04-13. Review status: criteria provided, single submitter. Criteria: Invitae Variant Classification Sherloc (09022015). Collection method: clinical testing. Allele origin: germline.
Comment: This sequence change replaces methionine with valine at codon 491 of the MSH6 protein (p.Met491Val). The methionine residue is highly conserved and there is a small physicochemical difference between methionine and valine. This variant is not present in population databases (ExAC no frequency). This variant has not been reported in the literature in individuals with MSH6-related conditions. Algorithms developed to predict the effect of missense changes on protein structure and function are either unavailable or do not agree on the potential impact of this missense change (SIFT: "Deleterious"; PolyPhen-2: "Probably Damaging"; Align-GVGD: "Class C0"). In summary, the available evidence is currently insufficient to determine the role of this variant in disease. Therefore, it has been classified as a Variant of Uncertain Significance.